The following is an entry in ClinVar:

ClinVar aggregate classification (germline): Benign/Likely benign. Review status: criteria provided, multiple submitters, no conflicts (2 of 4 stars). 4 submissions from 4 submitters: Benign (1); Likely benign (2). 1 of the submissions does not count toward it. Last evaluated 2025-08-04.

Conditions:
LAMA5-related disorder. Also called: LAMA5-Related Disorders; LAMA5-related condition.

Allele frequency attached by ClinVar (database versions not stated): TOPMed 0.00005; gnomAD 0.00006; 1000 Genomes Project 30x 0.00187; 1000 Genomes Project 0.00220.
gnomAD v4.1: 698 of 1,549,002 alleles (0.045%); highest among the groups gnomAD compares: South Asian, 0.76%; 7 homozygotes.

Submissions (4):

Labcorp Genetics (formerly Invitae), Labcorp
Classification: Benign. Last evaluated: 2025-08-04. Review status: criteria provided, single submitter. Criteria: Invitae Variant Classification Sherloc (09022015). Collection method: clinical testing. Allele origin: germline.

Mayo Clinic Laboratories, Mayo Clinic
Classification: Likely benign. Last evaluated: 2025-07-23. Review status: criteria provided, single submitter. Criteria: ACMG Guidelines, 2015. Collection method: clinical testing. Allele origin: germline. Observed: 1 variant allele.
Comment: BS1, BP4, BP7

Blueprint Genetics
Classification: Likely benign. Last evaluated: 2024-11-19. Review status: criteria provided, single submitter. Criteria: ACMG Guidelines, 2015. Collection method: clinical testing. Allele origin: germline.

PreventionGenetics, part of Exact Sciences
Classification: Likely benign for LAMA5-related condition. Last evaluated: 2024-01-26. Review status: no assertion criteria provided. Collection method: clinical testing. Allele origin: germline. Not counted in ClinVar's aggregate classification.
Comment: This variant is classified as likely benign based on ACMG/AMP sequence variant interpretation guidelines (Richards et al. 2015 PMID: 25741868, with internal and published modifications).

NM_005560.6(LAMA5):c.6819C>A (p.Gly2273=)

Gene: LAMA5 (laminin subunit alpha 5; minus strand). Cytogenetic location: 20q13.33.
Variant type: single nucleotide variant.
Coding change: c.6819C>A on transcript NM_005560.6 (MANE Select); coding-DNA position 6819, C replaced by A.
Protein change: p.Gly2273=; no amino-acid change (glycine 2273 retained).
Molecular consequence: synonymous variant.
Genome position (GRCh38, 1-based): chr20:62,319,736, G>T on the plus strand (C>A on the coding strand, the complement: LAMA5 is on the minus strand). VCF-style: chr20-62319736-G-T. GRCh37 (hg19) VCF-style: chr20-60894792-G-T.
Other names: p.Gly2273=.
Identifiers: ClinVar variation 723469 (VCV000723469.13), dbSNP rs566795195, ClinGen allele CA9941543.
Genomic context (GRCh38, chr20:62,319,736, plus strand): 5'-GCCCCTACCGCTCAGGGTGCGGTCCACAGCCCGGATGGCCGCCAACAGCGTCTTCGCATG[G>T]CCCAGTGTGGCCTCGGTGCCGGCCAGCAATTGGCTCGCCTGGTCTCGGGTCCCCACGGCC-3'
Protein context (NP_005551.3, residues 2263-2283): QLLAGTEATL[Gly2273=]HAKTLLAAIR